The following is an entry in ClinVar:

ClinVar aggregate classification (germline): Benign (1 of 4 stars; one submission).

Conditions:
Junctional epidermolysis bullosa with pyloric atresia. Also called: ITGB4-Related Epidermolysis Bullosa with Pyloric Atresia; ITGA6-Related Epidermolysis Bullosa with Pyloric Atresia; EPIDERMOLYSIS BULLOSA, JUNCTIONAL 5B, WITH PYLORIC ATRESIA; APLASIA CUTIS CONGENITA WITH GASTROINTESTINAL ATRESIA; CARMI SYNDROME; EB-PA-ACC. Identifiers: Orphanet 79403, MedGen C5676875, MONDO:0009183, OMIM 226730.

Allele frequency attached by ClinVar (database versions not stated): 1000 Genomes Project 0.01478; 1000 Genomes Project 30x 0.01577; TOPMed 0.01671.

Submission:

Illumina Laboratory Services, Illumina
Classification: Benign for Junctional epidermolysis bullosa with pyloric atresia. Last evaluated: 2018-01-12. Review status: criteria provided, single submitter. Criteria: ICSL Variant Classification Criteria 13 December 2019. Collection method: clinical testing. Allele origin: germline.
Comment: This variant was observed in the ICSL laboratory as part of a predisposition screen in an ostensibly healthy population. It had not been previously curated by ICSL or reported in the Human Gene Mutation Database (HGMD: prior to June 1st, 2018), and was therefore a candidate for classification through an automated scoring system. Utilizing variant allele frequency, disease prevalence and penetrance estimates, and inheritance mode, an automated score was calculated to assess if this variant is too frequent to cause the disease. Based on the score and internal cut-off values, a variant classified as benign is not then subjected to further curation. The score for this variant resulted in a classification of benign for this disease.

NM_000210.4(ITGA6):c.*1809T>C

Genes: ITGA6 (integrin subunit alpha 6; plus strand), PDK1-AS1 (PDK1 and ITGA6 antisense RNA 1; minus strand). Cytogenetic location: 2q31.1.
Variant type: single nucleotide variant.
Coding change: c.*1809T>C on transcript NM_000210.4 (MANE Select); 1809 bases downstream of the stop codon, T replaced by C.
Molecular consequence: 3 prime UTR variant.
Genome position (GRCh38, 1-based): chr2:172,505,877, T>C. VCF-style: chr2-172505877-T-C. GRCh37 (hg19) VCF-style: chr2-173370605-T-C.
Other names: c.*1625T>C (NM_001079818.3, NM_001365529.2); c.*1809T>C (NM_001316306.2, NM_001365530.2).
Identifiers: ClinVar variation 332417 (VCV000332417.5), dbSNP rs6759915, ClinGen allele CA10613061.
Genomic context (GRCh38, chr2:172,505,877, plus strand): 5'-TGTTTACAAAAATTTCTGTAAAACAGGTTATAACAGTGTTTAAAGTCTCAGTTTCTTGCT[T>C]GGGGAACTTGTGTCCCTAATGTGTTTAGATTGCTAGATTGCTAAGGAGCTGATACTTTGA-3'